The following is an entry in ClinVar:

NM_001378454.1(ALMS1):c.2774T>A (p.Phe925Tyr)

Gene: ALMS1 (ALMS1 centrosome and basal body associated protein; plus strand). Cytogenetic location: 2p13.1.
Variant type: single nucleotide variant.
Coding change: c.2774T>A on transcript NM_001378454.1 (MANE Select); coding-DNA position 2774, T replaced by A.
Protein change: p.Phe925Tyr; replaces phenylalanine 925 with tyrosine.
Molecular consequence: missense variant.
Genome position (GRCh38, 1-based): chr2:73,449,301, T>A. VCF-style: chr2-73449301-T-A. GRCh37 (hg19) VCF-style: chr2-73676428-T-A.
Other names: c.2777T>A, p.Phe926Tyr (NM_015120.4); short protein forms F925Y, F926Y.
Identifiers: ClinVar variation 3051011 (VCV003051011.1), dbSNP rs2466095906, ClinGen allele CA347271961.

ClinVar aggregate classification (germline): Uncertain significance (1 of 4 stars; one submission).

Conditions:
ALMS1-related disorder. Also called: ALMS1-related condition.

Submission:

PreventionGenetics, part of Exact Sciences
Classification: Uncertain significance for ALMS1-related condition. Last evaluated: 2023-10-20. Review status: criteria provided, single submitter. Criteria: ACMG Guidelines, 2015. Collection method: clinical testing. Allele origin: germline.
Comment: The ALMS1 c.2777T>A variant is predicted to result in the amino acid substitution p.Phe926Tyr. To our knowledge, this variant has not been reported in the literature or in a large population database, indicating this variant is rare. At this time, the clinical significance of this variant is uncertain due to the absence of conclusive functional and genetic evidence.